The following is an entry in ClinVar:

NM_019066.5(MAGEL2):c.246T>C (p.Pro82=)

Gene: MAGEL2 (MAGE family member L2; minus strand). Cytogenetic location: 15q11.2.
Variant type: single nucleotide variant.
Coding change: c.246T>C on transcript NM_019066.5 (MANE Select); coding-DNA position 246, T replaced by C.
Protein change: p.Pro82=; no amino-acid change (proline 82 retained).
Molecular consequence: synonymous variant.
Genome position (GRCh38, 1-based): chr15:23,647,497, A>G on the plus strand (T>C on the coding strand, the complement: MAGEL2 is on the minus strand). VCF-style: chr15-23647497-A-G. GRCh37 (hg19) VCF-style: chr15-23892644-A-G.
Identifiers: ClinVar variation 4703032 (VCV004703032.1).

ClinVar aggregate classification (germline): Uncertain significance (1 of 4 stars; one submission).

gnomAD v4.1: 7 of 1,531,178 alleles (0.00046%); highest among the groups gnomAD compares: Non-Finnish European, 0.00061%; no homozygotes.

Submission:

Labcorp Genetics (formerly Invitae), Labcorp
Classification: Uncertain significance. Last evaluated: 2025-05-25. Review status: criteria provided, single submitter. Criteria: Invitae Variant Classification Sherloc (09022015). Collection method: clinical testing. Allele origin: germline.
Comment: This sequence change affects codon 82 of the MAGEL2 mRNA. It is a 'silent' change, meaning that it does not change the encoded amino acid sequence of the MAGEL2 protein. This variant is not present in population databases (gnomAD no frequency). This variant has not been reported in the literature in individuals affected with MAGEL2-related conditions. In summary, the available evidence is currently insufficient to determine the role of this variant in disease. Therefore, it has been classified as a Variant of Uncertain Significance.